The following is an entry in ClinVar:

ClinVar aggregate classification (germline): Uncertain significance (1 of 4 stars; one submission).

Allele frequency attached by ClinVar (database versions not stated): gnomAD 0.00001; gnomAD exomes 0.00002 and 0.00004; TOPMed 0.00002; ExAC 0.00004.
gnomAD v4.1: 28 of 1,614,060 alleles (0.0017%); highest among the groups gnomAD compares: East Asian, 0.013%; no homozygotes.

Submission:

Labcorp Genetics (formerly Invitae), Labcorp
Classification: Uncertain significance. Last evaluated: 2021-09-30. Review status: criteria provided, single submitter. Criteria: Invitae Variant Classification Sherloc (09022015). Collection method: clinical testing. Allele origin: germline.
Comment: In summary, the available evidence is currently insufficient to determine the role of this variant in disease. Therefore, it has been classified as a Variant of Uncertain Significance. Algorithms developed to predict the effect of missense changes on protein structure and function are either unavailable or do not agree on the potential impact of this missense change (SIFT: "Tolerated"; PolyPhen-2: "Possibly Damaging"; Align-GVGD: "Class C0"). This variant has not been reported in the literature in individuals affected with AGBL5-related conditions. This variant is present in population databases (rs779110735, ExAC 0.02%). This sequence change replaces valine with isoleucine at codon 427 of the AGBL5 protein (p.Val427Ile). The valine residue is moderately conserved and there is a small physicochemical difference between valine and isoleucine.

NM_021831.6(AGBL5):c.1279G>A (p.Val427Ile)

Gene: AGBL5 (AGBL carboxypeptidase 5; plus strand). Cytogenetic location: 2p23.3.
Variant type: single nucleotide variant.
Coding change: c.1279G>A on transcript NM_021831.6 (MANE Select); coding-DNA position 1279, G replaced by A.
Protein change: p.Val427Ile; replaces valine 427 with isoleucine.
Molecular consequence: missense variant. On other transcripts: non-coding transcript variant (2).
Genome position (GRCh38, 1-based): chr2:27,056,052, G>A. VCF-style: chr2-27056052-G-A. GRCh37 (hg19) VCF-style: chr2-27278920-G-A.
Other names: c.1279G>A, p.Val427Ile (NM_001035507.3); short protein forms V427I.
Identifiers: ClinVar variation 1460895 (VCV001460895.4), dbSNP rs779110735, ClinGen allele CA1567829.
Genomic context (GRCh38, chr2:27,056,052, plus strand): 5'-CAACAGTCTGCGGGGCTTGAAGAGTCAGCCCCTGATACCATCCCCCCCAAAGAGAGTGGC[G>A]TTGCTTACTATGTGGACCTGCATGGACATGCTTCCAAAAGGGGCTGCTTCATGTACGGAA-3'
Protein context (NP_068603.4, residues 417-437): PDTIPPKESG[Val427Ile]AYYVDLHGHA